The following is an entry in ClinVar:

NM_001127511.3(APC):c.-206C>T

Genes: APC (APC regulator of Wnt signaling pathway; plus strand), LOC129994371 (ATAC-STARR-seq lymphoblastoid active region 22910; plus strand). Cytogenetic location: 5q22.2.
Variant type: single nucleotide variant.
Coding change: c.-206C>T on transcript NM_001127511.3; 206 bases upstream of the start codon, C replaced by T.
Molecular consequence: 5 prime UTR variant. On other transcripts: non-coding transcript variant (2).
Genome position (GRCh38, 1-based): chr5:112,707,512, C>T. VCF-style: chr5-112707512-C-T. GRCh37 (hg19) VCF-style: chr5-112043209-C-T.
Other names: c.-389C>T (NM_001354895.2, NM_001407447.1, NM_001407452.1 and 3 more transcripts); c.-206C>T (NM_001354897.2, NM_001354902.2, NM_001407446.1); c.-156C>T (NM_001407448.1, NM_001407450.1, NM_001407457.1 and 1 more transcripts); c.-180C>T (NM_001407453.1); c.-1424C>T (NM_001407470.1, NM_001407472.1).
Identifiers: ClinVar variation 1062527 (VCV001062527.7), dbSNP rs2149629142, ClinGen allele CA2499217379.

ClinVar aggregate classification (germline): Uncertain significance (1 of 4 stars; one submission).

Conditions:
Familial adenomatous polyposis 1 (FAP1). Also called: FAMILIAL ADENOMATOUS POLYPOSIS 1, ATTENUATED; POLYPOSIS, ADENOMATOUS INTESTINAL. Identifiers: MedGen C2713442, MONDO:0021056, OMIM 175100. Disease mechanism: loss of function.

Submission:

Labcorp Genetics (formerly Invitae), Labcorp
Classification: Uncertain significance for Familial adenomatous polyposis 1. Last evaluated: 2021-09-01. Review status: criteria provided, single submitter. Criteria: Invitae Variant Classification Sherloc (09022015). Collection method: clinical testing. Allele origin: germline.
Comment: This variant occurs in a non-coding region of the APC gene. It does not change the encoded amino acid sequence of the APC protein. The frequency data for this variant in the population databases is considered unreliable, as metrics indicate insufficient coverage at this position in the ExAC database. This variant has not been reported in the literature in individuals affected with APC-related conditions. Experimental studies and prediction algorithms are not available or were not evaluated, and the functional significance of this variant is currently unknown. In summary, the available evidence is currently insufficient to determine the role of this variant in disease. Therefore, it has been classified as a Variant of Uncertain Significance.